The following is an entry in ClinVar:

NM_001358235.2(DCHS2):c.1404T>G (p.Ser468=)

Gene: DCHS2 (dachsous cadherin-related 2; minus strand). Cytogenetic location: 4q31.3.
Variant type: single nucleotide variant.
Coding change: c.1404T>G on transcript NM_001358235.2 (MANE Select); coding-DNA position 1404, T replaced by G.
Protein change: p.Ser468=; no amino-acid change (serine 468 retained).
Molecular consequence: synonymous variant.
Genome position (GRCh38, 1-based): chr4:154,489,952, A>C on the plus strand (T>G on the coding strand, the complement: DCHS2 is on the minus strand). VCF-style: chr4-154489952-A-C. GRCh37 (hg19) VCF-style: chr4-155411104-A-C.
Other names: c.1404T>G, p.Ser468= (NM_001142552.2); c.1404G=, p.Ser468= (NM_001412223.1).
Identifiers: ClinVar variation 3059342 (VCV003059342.2), dbSNP rs6536016, ClinGen allele CA3113826.

ClinVar aggregate classification (germline): Benign (0 of 4 stars; one submission).

Conditions:
DCHS2-related disorder. Also called: DCHS2-related condition.

Allele frequency attached by ClinVar (database versions not stated): TOPMed 0.90594; 1000 Genomes Project 30x 0.91084; ESP Exome Variant Server 0.91327; gnomAD 0.91621; 1000 Genomes Project 0.91653; ExAC 0.97132; gnomAD exomes 0.99209.
gnomAD v4.1: 1,518,536 of 1,542,866 alleles (98%); highest among the groups gnomAD compares: East Asian, 100%; 750,338 homozygotes.

Submission:

PreventionGenetics, part of Exact Sciences
Classification: Benign for DCHS2-related condition. Last evaluated: 2019-10-29. Review status: no assertion criteria provided. Collection method: clinical testing. Allele origin: germline.
Comment: This variant is classified as benign based on ACMG/AMP sequence variant interpretation guidelines (Richards et al. 2015 PMID: 25741868, with internal and published modifications).